The following is an entry in ClinVar:

ClinVar aggregate classification (germline): Likely pathogenic (1 of 4 stars; one submission).

Conditions:
Inborn genetic diseases. Identifiers: MedGen C0950123, MeSH D030342.

Submission:

Ambry Genetics
Classification: Likely pathogenic for Inborn genetic diseases. Last evaluated: 2025-06-16. Review status: criteria provided, single submitter. Criteria: Ambry Variant Classification Scheme 2023. Collection method: clinical testing. Allele origin: germline.
Comment: The c.542G>T (p.G181V) alteration is located in exon 5 (coding exon 5) of the SLC2A1 gene. This alteration results from a G to T substitution at nucleotide position 542, causing the glycine (G) at amino acid position 181 to be replaced by a valine (V). This variant was not reported in population-based cohorts in the Genome Aggregation Database (gnomAD). This amino acid position is highly conserved in available vertebrate species. This missense alteration is located in a region that has a low rate of benign missense variation (Lek, 2016; Firth, 2009). This alteration is predicted to be deleterious by in silico analysis. Based on the available evidence, this alteration is classified as likely pathogenic.

NM_006516.4(SLC2A1):c.542G>T (p.Gly181Val)

Gene: SLC2A1 (solute carrier family 2 member 1; minus strand). Cytogenetic location: 1p34.2.
Variant type: single nucleotide variant.
Coding change: c.542G>T on transcript NM_006516.4 (MANE Select); coding-DNA position 542, G replaced by T.
Protein change: p.Gly181Val; replaces glycine 181 with valine.
Molecular consequence: missense variant.
Genome position (GRCh38, 1-based): chr1:42,930,010, C>A on the plus strand (G>T on the coding strand, the complement: SLC2A1 is on the minus strand). VCF-style: chr1-42930010-C-A. GRCh37 (hg19) VCF-style: chr1-43395681-C-A.
Other names: short protein forms G181V.
Identifiers: ClinVar variation 4167450 (VCV004167450.1).